The following is an entry in ClinVar:

ClinVar aggregate classification (germline): Benign. Review status: criteria provided, multiple submitters, no conflicts (2 of 4 stars). 5 submissions from 5 submitters: Benign (5). Last evaluated 2026-02-01.

Conditions:
Renal coloboma syndrome (PAPRS). Also called: COLOBOMA OF OPTIC NERVE WITH RENAL DISEASE; PAPILLORENAL SYNDROME WITH MILD OCULAR ABNORMALITIES; CONGENITAL ANOMALIES OF THE KIDNEY AND URINARY TRACT WITH OR WITHOUT OCULAR ABNORMALITIES; CAKUT WITH OR WITHOUT OCULAR ABNORMALITIES; OPTIC COLOBOMA, VESICOURETERAL REFLUX, AND RENAL ANOMALIES; OPTIC NERVE COLOBOMA WITH RENAL DISEASE. Identifiers: Orphanet 1475, MedGen C1852759, MONDO:0007352, OMIM 120330.
Focal segmental glomerulosclerosis 7 (FSGS7). Identifiers: Orphanet 656, MedGen C4014925, MONDO:0014451, OMIM 616002.

Allele frequency attached by ClinVar (database versions not stated): gnomAD 0.00945 and 0.00974; ESP Exome Variant Server 0.00930; 1000 Genomes Project 30x 0.00312; 1000 Genomes Project 0.00339; TOPMed 0.00900; ExAC 0.01097; gnomAD exomes 0.01033.
gnomAD v4.1: 23,285 of 1,612,816 alleles (1.4%); highest among the groups gnomAD compares: Non-Finnish European, 1.7%; 217 homozygotes.

Submissions (5):

Labcorp Genetics (formerly Invitae), Labcorp
Classification: Benign for Renal coloboma syndrome; Focal segmental glomerulosclerosis 7. Last evaluated: 2026-02-01. Review status: criteria provided, single submitter. Criteria: Invitae Variant Classification Sherloc (09022015). Collection method: clinical testing. Allele origin: germline.

Mayo Clinic Laboratories, Mayo Clinic
Classification: Benign. Last evaluated: 2022-10-24. Review status: criteria provided, single submitter. Criteria: ACMG Guidelines, 2015. Collection method: clinical testing. Allele origin: germline. Observed: 16 variant alleles.
Comment: BS1, BP4, BP7

Fulgent Genetics
Classification: Benign for Renal coloboma syndrome; Focal segmental glomerulosclerosis 7. Last evaluated: 2021-08-30. Review status: criteria provided, single submitter. Criteria: ACMG Guidelines, 2015. Collection method: clinical testing. Allele origin: unknown.

GeneDx
Classification: Benign. Last evaluated: 2021-01-20. Review status: criteria provided, single submitter. Criteria: GeneDx Variant Classification Process June 2021. Collection method: clinical testing. Allele origin: germline. Affected: yes.

Breakthrough Genomics
Classification: Benign. Review status: criteria provided, single submitter. Criteria: ACMG Guidelines, 2015. Collection method: not provided. Allele origin: germline. Inheritance: Autosomal dominant inheritance. Affected: yes.

NM_000278.5(PAX2):c.792+9G>A

Gene: PAX2 (paired box 2; plus strand). Cytogenetic location: 10q24.31.
Variant type: single nucleotide variant.
Coding change: c.792+9G>A on transcript NM_000278.5 (MANE Select); 9 bases into the intron after coding-DNA position 792, G replaced by A.
Molecular consequence: intron variant.
Genome position (GRCh38, 1-based): chr10:100,806,614, G>A. VCF-style: chr10-100806614-G-A. GRCh37 (hg19) VCF-style: chr10-102566371-G-A.
Other names: p.?; c.885+9G>A (NM_001304569.2); c.861+9G>A (NM_003987.5, NM_003990.5); c.792+9G>A (NM_003988.5, NM_003989.5).
Identifiers: ClinVar variation 1169947 (VCV001169947.14), dbSNP rs79552202, ClinGen allele CA5650846.